The following is an entry in ClinVar:

ClinVar aggregate classification (germline): Pathogenic (1 of 4 stars; one submission).

Submission:

Labcorp Genetics (formerly Invitae), Labcorp
Classification: Pathogenic. Last evaluated: 2024-02-05. Review status: criteria provided, single submitter. Criteria: Invitae Variant Classification Sherloc (09022015). Collection method: clinical testing. Allele origin: germline.
Comment: This sequence change creates a premature translational stop signal (p.Gly675Glufs*23) in the PHEX gene. It is expected to result in an absent or disrupted protein product. Loss-of-function variants in PHEX are known to be pathogenic (PMID: 9097956, 9106524, 19219621). This variant is not present in population databases (gnomAD no frequency). This variant has not been reported in the literature in individuals affected with PHEX-related conditions. For these reasons, this variant has been classified as Pathogenic.

Literature cited by the submitters: PubMed 9097956; PubMed 9106524; PubMed 19219621.

NM_000444.6(PHEX):c.1992_2023dup (p.Gly675fs)

Genes: PHEX (phosphate regulating endopeptidase X-linked; plus strand), PTCHD1-AS (PTCHD1 and PHEX antisense RNA; minus strand). Cytogenetic location: Xp22.11.
Variant type: Duplication.
Coding change: c.1992_2023dup on transcript NM_000444.6 (MANE Select); coding-DNA positions 1992 to 2023, 32 bases duplicated.
Protein change: p.Gly675fs; shifts the reading frame from glycine 675.
Molecular consequence: frameshift variant. On other transcripts: non-coding transcript variant (1).
Genome position (GRCh38, 1-based): chrX:22,227,533-22,227,564, 32 bases duplicated; duplicating any 32 consecutive bases within chrX:22,227,530-22,227,564 gives the same sequence; the c. name uses the placement nearest the transcript's 3' end. GRCh37 (hg19): chrX:22,245,650-22,245,681.
Other names: c.1992_2023dup, p.Gly675fs (NM_001282754.2); short protein forms G675fs.
Identifiers: ClinVar variation 3634969 (VCV003634969.2).